The following is an entry in ClinVar:

ClinVar aggregate classification (germline): Benign. Review status: criteria provided, multiple submitters, no conflicts (2 of 4 stars). 2 submissions from 2 submitters: Benign (2). Last evaluated 2018-01-12.

Conditions:
Congenital myasthenic syndrome 12 (CMS12). Also called: MYASTHENIC SYNDROME, CONGENITAL, WITH TUBULAR AGGREGATES 1; Myasthenia, congenital, 12, with tubular aggregates. Identifiers: Orphanet 353327, Orphanet 590, MedGen C3552335, MONDO:0012518, OMIM 610542.

Allele frequency attached by ClinVar (database versions not stated): 1000 Genomes Project 30x 0.10400; 1000 Genomes Project 0.10443; TOPMed 0.12289; gnomAD 0.12777 and 0.12917.

Submissions (2):

Illumina Laboratory Services, Illumina
Classification: Benign for Congenital myasthenic syndrome 12. Last evaluated: 2018-01-12. Review status: criteria provided, single submitter. Criteria: ICSL Variant Classification Criteria 13 December 2019. Collection method: clinical testing. Allele origin: germline.
Comment: This variant was observed in the ICSL laboratory as part of a predisposition screen in an ostensibly healthy population. It had not been previously curated by ICSL or reported in the Human Gene Mutation Database (HGMD: prior to June 1st, 2018), and was therefore a candidate for classification through an automated scoring system. Utilizing variant allele frequency, disease prevalence and penetrance estimates, and inheritance mode, an automated score was calculated to assess if this variant is too frequent to cause the disease. Based on the score and internal cut-off values, a variant classified as benign is not then subjected to further curation. The score for this variant resulted in a classification of benign for this disease.

Breakthrough Genomics
Classification: Benign. Review status: criteria provided, single submitter. Criteria: ACMG Guidelines, 2015. Collection method: not provided. Allele origin: germline. Inheritance: Autosomal recessive inheritance. Affected: yes.

NM_001244710.2(GFPT1):c.*4826A>C

Gene: GFPT1 (glutamine--fructose-6-phosphate transaminase 1; minus strand). Cytogenetic location: 2p13.3.
Variant type: single nucleotide variant.
Coding change: c.*4826A>C on transcript NM_001244710.2 (MANE Select); 4826 bases downstream of the stop codon, A replaced by C.
Molecular consequence: 3 prime UTR variant.
Genome position (GRCh38, 1-based): chr2:69,321,363, T>G on the plus strand (A>C on the coding strand, the complement: GFPT1 is on the minus strand). VCF-style: chr2-69321363-T-G. GRCh37 (hg19) VCF-style: chr2-69548495-T-G.
Other names: c.*4826A>C (NM_002056.4).
Identifiers: ClinVar variation 336799 (VCV000336799.6), dbSNP rs67016706, ClinGen allele CA10613816.